The following is an entry in ClinVar:

ClinVar aggregate classification (germline): Pathogenic (1 of 4 stars; one submission).

Conditions:
Hereditary insensitivity to pain with anhidrosis (CIPA). Also called: NEUROPATHY, CONGENITAL SENSORY, WITH ANHIDROSIS; FAMILIAL DYSAUTONOMIA, TYPE II; hereditary sensory and autonomic neuropathy type 4; NTRK1 Congenital Insensitivity to Pain with Anhidrosis; INSENSITIVITY TO PAIN, CONGENITAL, WITH ANHIDROSIS; HSAN Type IV. Identifiers: Orphanet 642, MedGen C0020074, MONDO:0009746, OMIM 256800.

Submission:

Labcorp Genetics (formerly Invitae), Labcorp
Classification: Pathogenic for Hereditary insensitivity to pain with anhidrosis. Last evaluated: 2020-12-16. Review status: criteria provided, single submitter. Criteria: Invitae Variant Classification Sherloc (09022015). Collection method: clinical testing. Allele origin: germline.
Comment: This variant is not present in population databases (ExAC no frequency). This sequence change creates a premature translational stop signal (p.Ser427Leufs*37) in the NTRK1 gene. It is expected to result in an absent or disrupted protein product. Loss-of-function variants in NTRK1 are known to be pathogenic (PMID: 10982191). This variant has not been reported in the literature in individuals with NTRK1-related conditions. For these reasons, this variant has been classified as Pathogenic.

Literature cited by the submitters: PubMed 10982191.

NM_002529.4(NTRK1):c.1298del (p.Ser433fs)

Gene: NTRK1 (neurotrophic receptor tyrosine kinase 1; plus strand). Cytogenetic location: 1q23.1.
Variant type: Deletion.
Coding change: c.1298del on transcript NM_002529.4 (MANE Select); coding-DNA position 1298, one base deleted (C; older notation c.1298delC).
Protein change: p.Ser433fs; shifts the reading frame from serine 433.
Molecular consequence: frameshift variant.
Genome position (GRCh38, 1-based): chr1:156,874,952, C deleted. VCF-style (leftmost placement, unchanged base first): chr1-156874951-TC-T. GRCh37 (hg19) VCF-style: chr1-156844743-TC-T.
Other names: c.1190del, p.Ser397fs (NM_001007792.1); c.1280del, p.Ser427fs (NM_001012331.2); short protein forms S397fs, S427fs, S433fs.
Identifiers: ClinVar variation 1453767 (VCV001453767.6), dbSNP rs2102912139, ClinGen allele CA2573131119.
Genomic context (GRCh38, chr1:156,874,951, plus strand): 5'-CCTGTCCCCCACCAGGTCTCGGTGGCTGTGGGCCTGGCCGTCTTTGCCTGCCTCTTCCTT[TC>T]TACGCTGCTCCTTGTGCTCAACAAATGTGGACGGAGAAACAAGTTTGGGATCAACCGTGA-3'